The following is an entry in ClinVar:

NM_182493.3(MYLK3):c.30del (p.His11fs)

Gene: MYLK3 (myosin light chain kinase 3; minus strand). Cytogenetic location: 16q11.2.
Variant type: Deletion.
Coding change: c.30del on transcript NM_182493.3 (MANE Select); coding-DNA position 30, one base deleted (G; older notation c.30delG).
Protein change: p.His11fs; shifts the reading frame from histidine 11.
Molecular consequence: frameshift variant. On other transcripts: intron variant (1).
Genome position (GRCh38, 1-based): chr16:46,748,164, C deleted on the plus strand (G on the coding strand, the reverse complement: MYLK3 is on the minus strand); the first of 4 consecutive C bases (chr16:46,748,164-46,748,167); deleting any one gives the same sequence. VCF-style (leftmost placement, unchanged base first): chr16-46748163-GC-G. GRCh37 (hg19) VCF-style: chr16-46782075-GC-G.
Other names: c.-113-8017del (NM_001308301.1); short protein forms H11fs.
Identifiers: ClinVar variation 2689505 (VCV002689505.5), dbSNP rs765941019, ClinGen allele CA8038337.
Genomic context (GRCh38, chr16:46,748,163, plus strand): 5'-TGTTCAGCTTTGTGTCCATGGTTGTTAAGCAGGTCTTGCCCAACCCTGGCAGCCCCCCAT[GC>G]CCCAGACTCTCCTTGGAGGTTCCTGACATGCTGGTGCAGGCTTGACAAGGGCAAGAGCGG-3'

ClinVar aggregate classification (germline): Uncertain significance. Review status: criteria provided, multiple submitters, no conflicts (2 of 4 stars). 2 submissions from 2 submitters: Uncertain significance (2). Last evaluated 2026-01-15.

Submissions (2):

Labcorp Genetics (formerly Invitae), Labcorp
Classification: Uncertain significance. Last evaluated: 2026-01-15. Review status: criteria provided, single submitter. Criteria: Invitae Variant Classification Sherloc (09022015). Collection method: clinical testing. Allele origin: germline.
Comment: This sequence change creates a premature translational stop signal (p.His11Metfs*12) in the MYLK3 gene. It is expected to result in an absent or disrupted protein product. However, the current clinical and genetic evidence is not sufficient to establish whether loss-of-function variants in MYLK3 cause disease. This variant is present in population databases (rs765941019, gnomAD 0.07%), and has an allele count higher than expected for a pathogenic variant. This variant has not been reported in the literature in individuals affected with MYLK3-related conditions. ClinVar contains an entry for this variant (Variation ID: 2689505). In summary, the available evidence is currently insufficient to determine the role of this variant in disease. Therefore, it has been classified as a Variant of Uncertain Significance.

Revvity Omics, Revvity
Classification: Uncertain significance. Last evaluated: 2022-04-01. Review status: criteria provided, single submitter. Criteria: ACMG Guidelines, 2015. Collection method: clinical testing. Allele origin: germline.